The following is an entry in ClinVar:

ClinVar aggregate classification (germline): Uncertain significance (1 of 4 stars; one submission).

Conditions:
Leber congenital amaurosis 6 (LCA6). Identifiers: Orphanet 65, MedGen C1854260, MONDO:0013446, OMIM 613826.
Cone-rod dystrophy 13 (CORD13). Identifiers: Orphanet 1872, MedGen C2750720, MONDO:0011987, OMIM 608194.

Allele frequency attached by ClinVar (database versions not stated): gnomAD 0.00001; gnomAD exomes 0.00001; TOPMed 0.00001.
gnomAD v4.1: 5 of 1,595,034 alleles (0.00031%); highest among the groups gnomAD compares: Non-Finnish European, 0.00043%; no homozygotes.

Submission:

Labcorp Genetics (formerly Invitae), Labcorp
Classification: Uncertain significance for Leber congenital amaurosis 6; Cone-rod dystrophy 13. Last evaluated: 2022-02-24. Review status: criteria provided, single submitter. Criteria: Invitae Variant Classification Sherloc (09022015). Collection method: clinical testing. Allele origin: germline.
Comment: This sequence change replaces valine, which is neutral and non-polar, with alanine, which is neutral and non-polar, at codon 779 of the RPGRIP1 protein (p.Val779Ala). This variant is not present in population databases (gnomAD no frequency). This variant has not been reported in the literature in individuals affected with RPGRIP1-related conditions. ClinVar contains an entry for this variant (Variation ID: 970228). Algorithms developed to predict the effect of missense changes on protein structure and function output the following: SIFT: "Deleterious"; PolyPhen-2: "Benign"; Align-GVGD: "Class C0". The alanine amino acid residue is found in multiple mammalian species, which suggests that this missense change does not adversely affect protein function. In summary, the available evidence is currently insufficient to determine the role of this variant in disease. Therefore, it has been classified as a Variant of Uncertain Significance.

NM_020366.4(RPGRIP1):c.2336T>C (p.Val779Ala)

Gene: RPGRIP1 (RPGR interacting protein 1; plus strand). Cytogenetic location: 14q11.2.
Variant type: single nucleotide variant.
Coding change: c.2336T>C on transcript NM_020366.4 (MANE Select); coding-DNA position 2336, T replaced by C.
Protein change: p.Val779Ala; replaces valine 779 with alanine.
Molecular consequence: missense variant. On other transcripts: intron variant (4).
Genome position (GRCh38, 1-based): chr14:21,325,352, T>C. VCF-style: chr14-21325352-T-C. GRCh37 (hg19) VCF-style: chr14-21793511-T-C.
Other names: c.1262T>C, p.Val421Ala (NM_001377948.1); c.796+627T>C (NM_001377949.1); c.689-2271T>C (NM_001377523.1, NM_001377950.1); c.191-2271T>C (NM_001377951.1); short protein forms V421A, V779A.
Identifiers: ClinVar variation 970228 (VCV000970228.10), dbSNP rs1195674447, ClinGen allele CA388868640.